The following is an entry in ClinVar:

ClinVar aggregate classification (germline): Uncertain significance (1 of 4 stars; one submission).

Submission:

Labcorp Genetics (formerly Invitae), Labcorp
Classification: Uncertain significance. Last evaluated: 2021-07-02. Review status: criteria provided, single submitter. Criteria: Invitae Variant Classification Sherloc (09022015). Collection method: clinical testing. Allele origin: germline.
Comment: In summary, the available evidence is currently insufficient to determine the role of this variant in disease. Therefore, it has been classified as a Variant of Uncertain Significance. Algorithms developed to predict the effect of missense changes on protein structure and function output the following: SIFT: "Tolerated"; PolyPhen-2: "Benign"; Align-GVGD: "Class C0". The glycine amino acid residue is found in multiple mammalian species, which suggests that this missense change does not adversely affect protein function. This variant has not been reported in the literature in individuals affected with LAMC3-related conditions. This variant is not present in population databases (ExAC no frequency). This sequence change replaces alanine with glycine at codon 1005 of the LAMC3 protein (p.Ala1005Gly). The alanine residue is weakly conserved and there is a small physicochemical difference between alanine and glycine.

NM_006059.4(LAMC3):c.3014C>G (p.Ala1005Gly)

Gene: LAMC3 (laminin subunit gamma 3; plus strand). Cytogenetic location: 9q34.12.
Variant type: single nucleotide variant.
Coding change: c.3014C>G on transcript NM_006059.4 (MANE Select); coding-DNA position 3014, C replaced by G.
Protein change: p.Ala1005Gly; replaces alanine 1005 with glycine.
Molecular consequence: missense variant.
Genome position (GRCh38, 1-based): chr9:131,069,795, C>G. VCF-style: chr9-131069795-C-G. GRCh37 (hg19) VCF-style: chr9-133945182-C-G.
Other names: short protein forms A1005G.
Identifiers: ClinVar variation 1349423 (VCV001349423.8), dbSNP rs2133319793, ClinGen allele CA375255713.